The following is an entry in ClinVar:

NM_002241.5(KCNJ10):c.611G>A (p.Arg204His)

Gene: KCNJ10 (potassium inwardly rectifying channel subfamily J member 10; minus strand). Cytogenetic location: 1q23.2.
Variant type: single nucleotide variant.
Coding change: c.611G>A on transcript NM_002241.5 (MANE Select); coding-DNA position 611, G replaced by A.
Protein change: p.Arg204His; replaces arginine 204 with histidine.
Molecular consequence: missense variant.
Genome position (GRCh38, 1-based): chr1:160,041,922, C>T on the plus strand (G>A on the coding strand, the complement: KCNJ10 is on the minus strand). VCF-style: chr1-160041922-C-T. GRCh37 (hg19) VCF-style: chr1-160011712-C-T.
Other names: short protein forms R204H.
Identifiers: ClinVar variation 1487242 (VCV001487242.7), dbSNP rs774033332, ClinGen allele CA1193228.
Genomic context (GRCh38, chr1:160,041,922, plus strand): 5'-TTGGTTTGGTGGGTCTGAAGCAGTTTTCCTGTCACCTGGCAGCCAATGAGGAGGCTTTTG[C>T]GCATATTGGCAACTCGGATCATGAGGCAGGGCTTGCCATTGTGGGAGGCCACAACTGCAT-3'
Protein context (NP_002232.2, residues 194-214): PCLMIRVANM[Arg204His]KSLLIGCQVT

ClinVar aggregate classification (germline): Uncertain significance (1 of 4 stars; one submission).

Conditions:
EAST syndrome (SESAMES). Also called: SEIZURES, SENSORINEURAL DEAFNESS, ATAXIA, IMPAIRED INTELLECTUAL DEVELOPMENT, AND ELECTROLYTE IMBALANCE. Identifiers: Orphanet 199343, MedGen C2748572, MONDO:0013005, OMIM 612780.

Allele frequency attached by ClinVar (database versions not stated): ExAC 0.00001; gnomAD 0.00001; gnomAD exomes 0.00001.
gnomAD v4.1: 10 of 1,613,492 alleles (0.00062%); highest among the groups gnomAD compares: East Asian, 0.0067%; no homozygotes.

Submission:

Labcorp Genetics (formerly Invitae), Labcorp
Classification: Uncertain significance for EAST syndrome. Last evaluated: 2024-05-15. Review status: criteria provided, single submitter. Criteria: Invitae Variant Classification Sherloc (09022015). Collection method: clinical testing. Allele origin: germline.
Comment: This sequence change replaces arginine, which is basic and polar, with histidine, which is basic and polar, at codon 204 of the KCNJ10 protein (p.Arg204His). This variant is present in population databases (rs774033332, gnomAD 0.01%). This missense change has been observed in individual(s) with SESAME/EAST syndrome (PMID: 22782654). ClinVar contains an entry for this variant (Variation ID: 1487242). Advanced modeling of protein sequence and biophysical properties (such as structural, functional, and spatial information, amino acid conservation, physicochemical variation, residue mobility, and thermodynamic stability) performed at Invitae indicates that this missense variant is expected to disrupt KCNJ10 protein function with a positive predictive value of 80%. In summary, the available evidence is currently insufficient to determine the role of this variant in disease. Therefore, it has been classified as a Variant of Uncertain Significance.

Literature cited by the submitters: PubMed 22782654.